The following is an entry in ClinVar:

NM_001376013.1(EPB41):c.2047G>C (p.Ala683Pro)

Gene: EPB41 (erythrocyte membrane protein band 4.1; plus strand). Cytogenetic location: 1p35.3.
Variant type: single nucleotide variant.
Coding change: c.2047G>C on transcript NM_001376013.1 (MANE Select); coding-DNA position 2047, G replaced by C.
Protein change: p.Ala683Pro; replaces alanine 683 with proline.
Molecular consequence: missense variant.
Genome position (GRCh38, 1-based): chr1:29,065,021, G>C. VCF-style: chr1-29065021-G-C. GRCh37 (hg19) VCF-style: chr1-29391533-G-C.
Other names: c.2047G>C, p.Ala683Pro (NM_001166005.2, NM_001376016.1, NM_001376017.1 and 1 more transcripts); c.2005G>C, p.Ala669Pro (NM_001166006.2); c.1258G>C, p.Ala420Pro (NM_001166007.2, NM_001376027.1); c.1942G>C, p.Ala648Pro (NM_001376014.1, NM_001376015.1); c.2044G>C, p.Ala682Pro (NM_001376018.1, NM_001376020.1); c.1885G>C, p.Ala629Pro (NM_001376021.1); c.1420G>C, p.Ala474Pro (NM_001376022.1, NM_001376023.1, NM_001376024.1 and 1 more transcripts); c.1312G>C, p.Ala438Pro (NM_001376026.1); and 4 more; short protein forms A441P, A460P, A669P, A594P, A420P, A683P, A419P, A438P.
Identifiers: ClinVar variation 585090 (VCV000585090.14), dbSNP rs199764020, ClinGen allele CA724720.
Genomic context (GRCh38, chr1:29,065,021, plus strand): 5'-TCTTTGTCCTTTCAACTGTAGGATTTAGACAAGAGTCAAGAGGAGATCAAAAAACATCAT[G>C]CCAGCATCAGTGAGCTGAAAAAGAACTTCATGGAGTCTGTACCAGAACCACGGCCTAGTG-3'
Protein context (NP_001362942.1, residues 673-693): KSQEEIKKHH[Ala683Pro]SISELKKNFM

ClinVar aggregate classification (germline): Uncertain significance. Review status: criteria provided, multiple submitters, no conflicts (2 of 4 stars). 2 submissions from 2 submitters: Uncertain significance (2). Last evaluated 2024-12-12.

Conditions:
Elliptocytosis 1 (EL1). Also called: 4.1- TRAIT; 4.1-MINUS TRAIT; ELLIPTOCYTOSIS, RHESUS-LINKED TYPE; PROTEIN 4.1 OF ERYTHROCYTE MEMBRANE, DEFECT OF. Identifiers: Orphanet 288, MedGen C2678497, MONDO:0012731, OMIM 611804.

Allele frequency attached by ClinVar (database versions not stated): ExAC 0.00005; gnomAD 0.00005; gnomAD exomes 0.00006 and 0.00009; ESP Exome Variant Server 0.00008; TOPMed 0.00008.

Submissions (2):

ARUP Laboratories, Molecular Genetics and Genomics, ARUP Laboratories
Classification: Uncertain significance for Elliptocytosis 1. Last evaluated: 2024-12-12. Review status: criteria provided, single submitter. Criteria: ARUP Molecular Germline Variant Investigation Process 2024. Collection method: clinical testing. Allele origin: germline.
Comment: The EPB41 c. 1321G>C; p.Ala441Pro variant (rs199764020), to our knowledge, is not reported in the medical literature but is reported in ClinVar (Variation ID: 585090). This variant is found in the general population with an overall allele frequency of 0.008% (23/282856 alleles) in the Genome Aggregation Database (v2.1.1). Computational analyses are uncertain whether this variant is neutral or deleterious (REVEL: 0.592). Due to limited information, the clinical significance of this variant is uncertain at this time.

Labcorp Genetics (formerly Invitae), Labcorp
Classification: Uncertain significance. Last evaluated: 2023-04-06. Review status: criteria provided, single submitter. Criteria: Invitae Variant Classification Sherloc (09022015). Collection method: clinical testing. Allele origin: germline.
Comment: ClinVar contains an entry for this variant (Variation ID: 585090). This variant has not been reported in the literature in individuals affected with EPB41-related conditions. This variant is present in population databases (rs199764020, gnomAD 0.2%). This sequence change replaces alanine, which is neutral and non-polar, with proline, which is neutral and non-polar, at codon 441 of the EPB41 protein (p.Ala441Pro). Advanced modeling of protein sequence and biophysical properties (such as structural, functional, and spatial information, amino acid conservation, physicochemical variation, residue mobility, and thermodynamic stability) performed at Invitae indicates that this missense variant is not expected to disrupt EPB41 protein function. In summary, the available evidence is currently insufficient to determine the role of this variant in disease. Therefore, it has been classified as a Variant of Uncertain Significance.